The following is an entry in ClinVar:

ClinVar aggregate classification (germline): Uncertain significance (1 of 4 stars; one submission).

Allele frequency attached by ClinVar (database versions not stated): gnomAD exomes below 0.00001.
gnomAD v4.1: 1 of 1,614,212 alleles (0.000062%); highest among the groups gnomAD compares: Middle Eastern, 0.016%; no homozygotes.

Submission:

Labcorp Genetics (formerly Invitae), Labcorp
Classification: Uncertain significance. Last evaluated: 2023-04-23. Review status: criteria provided, single submitter. Criteria: Invitae Variant Classification Sherloc (09022015). Collection method: clinical testing. Allele origin: germline.
Comment: In summary, the available evidence is currently insufficient to determine the role of this variant in disease. Therefore, it has been classified as a Variant of Uncertain Significance. Advanced modeling of protein sequence and biophysical properties (such as structural, functional, and spatial information, amino acid conservation, physicochemical variation, residue mobility, and thermodynamic stability) performed at Invitae indicates that this missense variant is not expected to disrupt ANK3 protein function. This variant has not been reported in the literature in individuals affected with ANK3-related conditions. This variant is not present in population databases (gnomAD no frequency). This sequence change replaces asparagine, which is neutral and polar, with aspartic acid, which is acidic and polar, at codon 1591 of the ANK3 protein (p.Asn1591Asp).

NM_020987.5(ANK3):c.4771A>G (p.Asn1591Asp)

Gene: ANK3 (ankyrin 3; minus strand). Cytogenetic location: 10q21.2.
Variant type: single nucleotide variant.
Coding change: c.4771A>G on transcript NM_020987.5 (MANE Select); coding-DNA position 4771, A replaced by G.
Protein change: p.Asn1591Asp; replaces asparagine 1591 with aspartic acid.
Molecular consequence: missense variant. On other transcripts: intron variant (4).
Genome position (GRCh38, 1-based): chr10:60,076,110, T>C on the plus strand (A>G on the coding strand, the complement: ANK3 is on the minus strand). VCF-style: chr10-60076110-T-C. GRCh37 (hg19) VCF-style: chr10-61835868-T-C.
Other names: c.4387+4427A>G (NM_001204403.2); c.4408+4427A>G (NM_001204404.2); c.4405+4427A>G (NM_001320874.2); c.1807+4427A>G (NM_001149.4); short protein forms N1591D.
Identifiers: ClinVar variation 3021780 (VCV003021780.3), dbSNP rs2492578082, ClinGen allele CA377016905.